The following is an entry in ClinVar:

ClinVar aggregate classification (germline): Likely pathogenic (1 of 4 stars; one submission).

Conditions:
Mucolipidosis type II. Also called: ML II ALPHA/BETA; Mucolipidosis 2; ML 2; Inclusion cell disease; Leroy Disease; N-acetylglucosamine 1phosphotransferase deficiency. Identifiers: Orphanet 576, MedGen C2673377, MONDO:0009650, OMIM 252500.

Submission:

Foundation for Research in Genetics and Endocrinology, FRIGE's Institute of Human Genetics
Classification: Likely pathogenic for Mucolipidosis type II. Last evaluated: 2026-04-17. Review status: criteria provided, single submitter. Criteria: ACMG Guidelines, 2015. Collection method: clinical testing. Allele origin: germline. Inheritance: Autosomal recessive inheritance. Affected: yes. Observed: 1 variant allele, 1 homozygote.
Comment: A homozygous variant in exon 13 of the GNPTAB gene that results premature truncation of the codon 816 was detected. This variant has not been reported in the 1000 genomes and gnomAD databases. The in-silico prediction of the variant is deleterious by MutationTaster. In summary, the variant meets our criteria to be classified as likely pathogenic.

NM_024312.5(GNPTAB):c.2444_2446dup (p.Phe816Ter)

Gene: GNPTAB (N-acetylglucosamine-1-phosphate transferase subunits alpha and beta; minus strand). Cytogenetic location: 12q23.2.
Variant type: Duplication.
Coding change: c.2444_2446dup on transcript NM_024312.5 (MANE Select); coding-DNA positions 2444 to 2446, 3 bases duplicated (GAT; older notation c.2444_2446dupGAT).
Protein change: p.Phe816Ter; replaces phenylalanine 816 with a stop codon.
Molecular consequence: nonsense.
Genome position (GRCh38, 1-based): chr12:101,764,471-101,764,473, ATC duplicated on the plus strand (GAT on the coding strand, the reverse complement: GNPTAB is on the minus strand). VCF-style (leftmost placement, unchanged base first): chr12-101764470-A-AATC. GRCh37 (hg19) VCF-style: chr12-102158248-A-AATC.
Other names: p.Phe816Ter; short protein forms F816*.
Identifiers: ClinVar variation 4849909 (VCV004849909.1).